The following is an entry in ClinVar:

NM_007294.4(BRCA1):c.531del (p.Val178fs)

Gene: BRCA1 (BRCA1 DNA repair associated; minus strand). Cytogenetic location: 17q21.31.
Variant type: Deletion.
Coding change: c.531del on transcript NM_007294.4 (MANE Select); coding-DNA position 531, one base deleted (T; older notation c.531delT).
Protein change: p.Val178fs; shifts the reading frame from valine 178.
Molecular consequence: frameshift variant. On other transcripts: non-coding transcript variant (1).
Genome position (GRCh38, 1-based): chr17:43,099,791, A deleted on the plus strand (T on the coding strand, the reverse complement: BRCA1 is on the minus strand). VCF-style (leftmost placement, unchanged base first): chr17-43099790-CA-C. GRCh37 (hg19) VCF-style: chr17-41251807-CA-C.
Other names: 650delT-ter233; c.318delT, p.Val107Serfs (NM_001407571.1, NM_001407853.1, NM_001407894.1 and 18 more transcripts); c.531delT, p.Val178Serfs (NM_001407581.1, NM_001407582.1, NM_001407583.1 and 96 more transcripts); c.528delT, p.Val177Serfs (NM_001407587.1, NM_001407590.1, NM_001407591.1 and 65 more transcripts); c.522delT, p.Val175Serfs (NM_001407646.1, NM_001407647.1, NM_001408408.1); c.453delT, p.Val152Serfs (NM_001407653.1, NM_001407654.1, NM_001407655.1 and 12 more transcripts); c.450delT, p.Val151Serfs (NM_001407659.1, NM_001407660.1, NM_001407661.1 and 6 more transcripts); c.390delT, p.Val131Serfs (NM_001407692.1, NM_001407694.1, NM_001407695.1 and 60 more transcripts); and 7 more; short protein forms V131fs, V178fs.
Identifiers: ClinVar variation 266546 (VCV000266546.6), dbSNP rs886040290, ClinGen allele CA10590003.
Genomic context (GRCh38, chr17:43,099,790, plus strand): 5'-ATCCAGCAATTATTATTAAATACTTAAAAAACCTGAGACCCTTACCCAATTCAATGTAGA[CA>C]GACGTCTTTTGAGGTTGTATCCGCTGCTTTGTCCTCAGAGTTCTCACAGTTCCAAGGTTA-3'

ClinVar aggregate classification (germline): Pathogenic. Review status: reviewed by expert panel (3 of 4 stars). 2 submissions from 2 submitters: Pathogenic (1). 1 of the submissions does not count toward it. Last evaluated 2016-10-18.

Conditions:
Breast-ovarian cancer, familial, susceptibility to, 1 (BROVCA1). Also called: BRCA1 Hereditary Breast and Ovarian Cancer; OVARIAN CANCER, SUSCEPTIBILITY TO. Identifiers: Orphanet 145, MedGen C2676676, MONDO:0011450, OMIM 604370. Disease mechanism: loss of function.

Submissions (2):

Evidence-based Network for the Interpretation of Germline Mutant Alleles (ENIGMA)
Classification: Pathogenic for Breast-ovarian cancer, familial, susceptibility to, 1. Last evaluated: 2016-10-18. Review status: reviewed by expert panel. Criteria: ENIGMA BRCA1/2 Classification Criteria (2015). Collection method: curation. Allele origin: germline.
Comment: Variant allele predicted to encode a truncated non-functional protein.

Consortium of Investigators of Modifiers of BRCA1/2 (CIMBA), c/o University of Cambridge
Classification: Pathogenic for Breast-ovarian cancer, familial, susceptibility to, 1. Last evaluated: 2015-10-02. Review status: criteria provided, single submitter. Criteria: CIMBA Mutation Classification guidelines May 2016. Collection method: clinical testing. Allele origin: germline. Not counted in ClinVar's aggregate classification.